The following is an entry in ClinVar:

ClinVar aggregate classification (germline): Benign/Likely benign. Review status: criteria provided, multiple submitters, no conflicts (2 of 4 stars). 6 submissions from 6 submitters: Benign (2); Likely benign (4). Last evaluated 2025-12-02.

Conditions:
Cardiomyopathy (CMYO). Also called: Cardiomyopathies. Identifiers: Orphanet 167848, MedGen C0878544, MONDO:0004994, HP:0001638. Inheritance: Various modes of inheritance.
Arrhythmogenic right ventricular dysplasia 11. Also called: ARRHYTHMOGENIC RIGHT VENTRICULAR DYSPLASIA, FAMILIAL, 11; Arrhythmogenic right ventricular dysplasia 11 with mild palmoplantar keratoderma and woolly hair; Arrhythmogenic Right Ventricular Dysplasia/Cardiomyopathy11. Identifiers: MedGen C1864850, MONDO:0012506, OMIM 610476.

Allele frequency attached by ClinVar (database versions not stated): ESP Exome Variant Server 0.00008; gnomAD exomes 0.00012 and 0.00022; TOPMed 0.00016; gnomAD 0.00025 and 0.00026; ExAC 0.00027.

Submissions (6):

Labcorp Genetics (formerly Invitae), Labcorp
Classification: Likely benign for Arrhythmogenic right ventricular dysplasia 11. Last evaluated: 2025-12-02. Review status: criteria provided, single submitter. Criteria: Invitae Variant Classification Sherloc (09022015). Collection method: clinical testing. Allele origin: germline.

Women's Health and Genetics/Laboratory Corporation of America, LabCorp
Classification: Benign. Last evaluated: 2025-06-02. Review status: criteria provided, single submitter. Criteria: LabCorp Variant Classification Summary - May 2015. Collection method: clinical testing. Allele origin: germline.
Comment: Variant summary: DSC2 c.631-13dupA alters a nucleotide located at a position not widely known to affect splicing. Consensus agreement among computation tools predict no significant impact on normal splicing. However, these predictions have yet to be confirmed by functional studies. The variant allele was found at a frequency of 0.00022 in 250662 control chromosomes. The observed variant frequency is approximately 1.37 fold of the estimated maximal expected allele frequency for a pathogenic variant in DSC2 causing Arrhythmogenic Right Ventricular Dysplasia/Cardiomyopathy phenotype (0.00016). To our knowledge, no occurrence of c.631-13dupA in individuals affected with Arrhythmogenic Right Ventricular Dysplasia/Cardiomyopathy and no experimental evidence demonstrating its impact on protein function have been reported. ClinVar contains an entry for this variant (Variation ID: 199755). Based on the evidence outlined above, the variant was classified as benign.

Blueprint Genetics
Classification: Likely benign. Last evaluated: 2024-11-15. Review status: criteria provided, single submitter. Criteria: ACMG Guidelines, 2015. Collection method: clinical testing. Allele origin: germline.

Centre for Mendelian Genomics, University Medical Centre Ljubljana
Classification: Likely benign for Arrhythmogenic right ventricular dysplasia 11. Last evaluated: 2018-09-25. Review status: criteria provided, single submitter. Criteria: ACMG Guidelines, 2015. Collection method: clinical testing. Allele origin: unknown. Affected: yes.
Comment: This variant was classified as: Likely benign. The following ACMG criteria were applied in classifying this variant: BS2,BP7.

Color Diagnostics, LLC DBA Color Health
Classification: Likely benign for Cardiomyopathy. Last evaluated: 2018-05-21. Review status: criteria provided, single submitter. Criteria: ACMG Guidelines, 2015. Collection method: clinical testing. Allele origin: germline.

GeneDx
Classification: Benign for Cardiomyopathy. Last evaluated: 2014-09-18. Review status: criteria provided, single submitter. Criteria: GeneDx Variant Classification (06012015). Collection method: clinical testing. Allele origin: germline. Affected: yes.
Comment: The variant is found in ARVC,CARDIOMYOPATHY panel(s).

NM_024422.6(DSC2):c.631-13dup

Gene: DSC2 (desmocollin 2; minus strand). Cytogenetic location: 18q12.1.
Variant type: Duplication.
Coding change: c.631-13dup on transcript NM_024422.6 (MANE Select); 13 bases into the intron before coding-DNA position 631, one base duplicated (A; older notation c.631-13dupA).
Molecular consequence: intron variant.
Genome position (GRCh38, 1-based): chr18:31,087,826, T duplicated on the plus strand (A on the coding strand, the reverse complement: DSC2 is on the minus strand). VCF-style (leftmost placement, unchanged base first): chr18-31087825-G-GT. GRCh37 (hg19) VCF-style: chr18-28667788-G-GT.
Other names: c.631-13dup (NM_004949.5); c.631-13dupA (NM_024422.6); c.631-13_631-12insA (NM_024422.3).
Identifiers: ClinVar variation 199755 (VCV000199755.15), dbSNP rs551337657, ClinGen allele CA334839.